The following is an entry in ClinVar:

ClinVar aggregate classification (germline): Conflicting classifications of pathogenicity. Review status: criteria provided, conflicting classifications (1 of 4 stars). 4 submissions from 4 submitters: Uncertain significance (2); Benign (1); Likely benign (1). Last evaluated 2025-04-15.

Conditions:
Menke-Hennekam syndrome 1 (MKHK1). Identifiers: MedGen C5193034, MONDO:0020763, OMIM 618332.
Rubinstein-Taybi syndrome due to CREBBP mutations (RSTS1). Also called: Rubinstein-Taybi syndrome 1; BROAD THUMBS AND GREAT TOES, CHARACTERISTIC FACIES, AND IMPAIRED INTELLECTUAL DEVELOPMENT; RUBINSTEIN SYNDROME; BROAD THUMB-HALLUX SYNDROME; RUBINSTEIN-TAYBI SYNDROME 1, INCOMPLETE; CREBBP-Related Rubinstein-Taybi Syndrome. Identifiers: Orphanet 353277, Orphanet 783, MedGen C4551859, MONDO:0008393, OMIM 180849.
CREBBP-related disorder. Also called: CREBBP-related disorders; CREBBP-related condition.
Inborn genetic diseases. Identifiers: MedGen C0950123, MeSH D030342.
Rubinstein-Taybi syndrome (RSTS). Identifiers: Orphanet 783, MedGen C0035934, MONDO:0019188.

Allele frequency attached by ClinVar (database versions not stated): gnomAD exomes 0.00002 and 0.00004; gnomAD 0.00003; TOPMed 0.00003; ExAC 0.00008.
gnomAD v4.1: 31 of 1,595,430 alleles (0.0019%); highest among the groups gnomAD compares: African/African-American, 0.0067%; no homozygotes.

Submissions (4):

PreventionGenetics, part of Exact Sciences
Classification: Uncertain significance for CREBBP-related condition. Last evaluated: 2025-04-15. Review status: criteria provided, single submitter. Criteria: ACMG Guidelines, 2015. Collection method: clinical testing. Allele origin: germline.
Comment: The CREBBP c.6071C>T variant is predicted to result in the amino acid substitution p.Ala2024Val. To our knowledge, this variant has not been reported in the literature. This variant is reported in 0.014% of alleles in individuals of African descent in gnomAD. At this time, the clinical significance of this variant is uncertain due to the absence of conclusive functional and genetic evidence.

Labcorp Genetics (formerly Invitae), Labcorp
Classification: Benign for Rubinstein-Taybi syndrome. Last evaluated: 2025-04-01. Review status: criteria provided, single submitter. Criteria: Invitae Variant Classification Sherloc (09022015). Collection method: clinical testing. Allele origin: germline.

Fulgent Genetics
Classification: Likely benign for Rubinstein-Taybi syndrome due to CREBBP mutations; Menke-Hennekam syndrome 1. Last evaluated: 2024-02-26. Review status: criteria provided, single submitter. Criteria: ACMG Guidelines, 2015. Collection method: clinical testing. Allele origin: germline.

Ambry Genetics
Classification: Uncertain significance for Inborn genetic diseases. Last evaluated: 2016-09-27. Review status: criteria provided, single submitter. Criteria: Ambry Variant Classification Scheme 2023. Collection method: clinical testing. Allele origin: germline.
Comment: The p.A2024V variant (also known as c.6071C>T), located in coding exon 31 of the CREBBP gene, results from a C to T substitution at nucleotide position 6071. The alanine at codon 2024 is replaced by valine, an amino acid with similar properties. This variant was not reported in population based cohorts in the following databases: Database of Single Nucleotide Polymorphisms (dbSNP), NHLBI Exome Sequencing Project (ESP), and 1000 Genomes Project. In the ESP, this variant was not observed in 6457 samples (12914 alleles) with coverage at this position. This amino acid position is not well conserved in available vertebrate species. In addition, this alteration is predicted to be tolerated by in silico analysis. Since supporting evidence is limited at this time, the clinical significance of this variant remains unclear.

NM_004380.3(CREBBP):c.6071C>T (p.Ala2024Val)

Gene: CREBBP (CREB binding lysine acetyltransferase; minus strand). Cytogenetic location: 16p13.3.
Variant type: single nucleotide variant.
Coding change: c.6071C>T on transcript NM_004380.3 (MANE Select); coding-DNA position 6071, C replaced by T.
Protein change: p.Ala2024Val; replaces alanine 2024 with valine.
Molecular consequence: missense variant.
Genome position (GRCh38, 1-based): chr16:3,728,976, G>A on the plus strand (C>T on the coding strand, the complement: CREBBP is on the minus strand). VCF-style: chr16-3728976-G-A. GRCh37 (hg19) VCF-style: chr16-3778977-G-A.
Other names: c.5957C>T, p.Ala1986Val (NM_001079846.1); short protein forms A2024V, A1986V.
Identifiers: ClinVar variation 458204 (VCV000458204.18), dbSNP rs745551441, ClinGen allele CA7869187.
Genomic context (GRCh38, chr16:3,728,976, plus strand): 5'-GCCTGCATGGATATCACAGGCCTGGGCAAGCCTGGCATGGGCTGCTGCTGGGGAAGGGGC[G>A]CCTGCTGCCACTGCCCGGGAGGCATGCTGGGCATGACGGGCCCGCTCACCTGGTTGGGTC-3'
Protein context (NP_004371.2, residues 2014-2034): PSMPPGQWQQ[Ala2024Val]PLPQQQPMPG